The following is an entry in ClinVar:

ClinVar aggregate classification (germline): Conflicting classifications of pathogenicity. Review status: criteria provided, conflicting classifications (1 of 4 stars). 2 submissions from 2 submitters: Pathogenic (1); Uncertain significance (1). Last evaluated 2021-04-28.

Conditions:
Dyskeratosis congenita. Identifiers: Orphanet 1775, MedGen C0265965, MONDO:0015780.

Submissions (2):

Revvity Omics, Revvity
Classification: Uncertain significance. Last evaluated: 2021-04-28. Review status: criteria provided, single submitter. Criteria: ACMG Guidelines, 2015. Collection method: clinical testing. Allele origin: germline.

Labcorp Genetics (formerly Invitae), Labcorp
Classification: Pathogenic for Dyskeratosis congenita. Last evaluated: 2018-06-18. Review status: criteria provided, single submitter. Criteria: Invitae Variant Classification Sherloc (09022015). Collection method: clinical testing. Allele origin: germline.
Comment: This sequence change creates a premature translational stop signal (p.Leu364Profs*9) in the TINF2 gene. It is expected to result in an absent or disrupted protein product. This variant is not present in population databases (ExAC no frequency). This variant has not been reported in the literature in individuals with TINF2-related disease. Loss-of-function variants in TINF2 are known to be pathogenic (PMID: 21199492). For these reasons, this variant has been classified as Pathogenic.

NM_001099274.3(TINF2):c.1090dup (p.Leu364fs)

Gene: TINF2 (TERF1 interacting nuclear factor 2; minus strand). Cytogenetic location: 14q12.
Variant type: Duplication.
Coding change: c.1090dup on transcript NM_001099274.3 (MANE Select); coding-DNA position 1090, one base duplicated (C; older notation c.1090dupC).
Protein change: p.Leu364fs; shifts the reading frame from leucine 364.
Molecular consequence: frameshift variant. On other transcripts: 3 prime UTR variant (1).
Genome position (GRCh38, 1-based): chr14:24,240,302, G duplicated on the plus strand (C on the coding strand, the reverse complement: TINF2 is on the minus strand); the first of 5 consecutive G bases (chr14:24,240,302-24,240,306); duplicating any one gives the same sequence. VCF-style (leftmost placement, unchanged base first): chr14-24240301-A-AG. GRCh37 (hg19) VCF-style: chr14-24709507-A-AG.
Other names: c.985dup, p.Leu329fs (NM_001363668.2); c.*113dup (NM_012461.3); c.1090dupC (NM_001099274.1); short protein forms L364fs, L329fs.
Identifiers: ClinVar variation 575752 (VCV000575752.4), dbSNP rs1566366182, ClinGen allele CA891844162.